The following is an entry in ClinVar:

NM_000751.3(CHRND):c.140A>T (p.His47Leu)

Gene: CHRND (cholinergic receptor nicotinic delta subunit; plus strand). Cytogenetic location: 2q37.1.
Variant type: single nucleotide variant.
Coding change: c.140A>T on transcript NM_000751.3 (MANE Select); coding-DNA position 140, A replaced by T.
Protein change: p.His47Leu; replaces histidine 47 with leucine.
Molecular consequence: missense variant. On other transcripts: 5 prime UTR variant (2).
Genome position (GRCh38, 1-based): chr2:232,526,616, A>T. VCF-style: chr2-232526616-A-T. GRCh37 (hg19) VCF-style: chr2-233391326-A-T.
Other names: c.140A>T, p.His47Leu (NM_001256657.2); c.-132A>T (NM_001311195.2, NM_001311196.2); short protein forms H47L.
Identifiers: ClinVar variation 2199246 (VCV002199246.4), dbSNP rs903530183, ClinGen allele CA66950498.

ClinVar aggregate classification (germline): Uncertain significance (1 of 4 stars; one submission).

Conditions:
Lethal multiple pterygium syndrome (LMPS). Identifiers: Orphanet 33108, MedGen C1854678, MONDO:0009668, OMIM 253290.

Submission:

Labcorp Genetics (formerly Invitae), Labcorp
Classification: Uncertain significance for Lethal multiple pterygium syndrome. Last evaluated: 2024-08-12. Review status: criteria provided, single submitter. Criteria: Invitae Variant Classification Sherloc (09022015). Collection method: clinical testing. Allele origin: germline.
Comment: This sequence change replaces histidine, which is basic and polar, with leucine, which is neutral and non-polar, at codon 47 of the CHRND protein (p.His47Leu). This variant is not present in population databases (gnomAD no frequency). This variant has not been reported in the literature in individuals affected with CHRND-related conditions. ClinVar contains an entry for this variant (Variation ID: 2199246). Advanced modeling of protein sequence and biophysical properties (such as structural, functional, and spatial information, amino acid conservation, physicochemical variation, residue mobility, and thermodynamic stability) performed at Invitae indicates that this missense variant is not expected to disrupt CHRND protein function with a negative predictive value of 80%. In summary, the available evidence is currently insufficient to determine the role of this variant in disease. Therefore, it has been classified as a Variant of Uncertain Significance.